The following is an entry in ClinVar:

NM_000052.7(ATP7A):c.2013G>A (p.Met671Ile)

Gene: ATP7A (ATPase copper transporting alpha; plus strand). Cytogenetic location: Xq21.1.
Variant type: single nucleotide variant.
Coding change: c.2013G>A on transcript NM_000052.7 (MANE Select); coding-DNA position 2013, G replaced by A.
Protein change: p.Met671Ile; replaces methionine 671 with isoleucine.
Molecular consequence: missense variant.
Genome position (GRCh38, 1-based): chrX:78,011,515, G>A. VCF-style: chrX-78011515-G-A. GRCh37 (hg19) VCF-style: chrX-77267012-G-A.
Other names: c.2013G>A, p.Met671Ile (NM_001282224.2); short protein forms M671I.
Identifiers: ClinVar variation 2043087 (VCV002043087.4), dbSNP rs371215281, ClinGen allele CA413598213.

ClinVar aggregate classification (germline): Uncertain significance (1 of 4 stars; one submission).

Conditions:
Menkes kinky-hair syndrome (MNK). Also called: Copper transport disease; Menkes Disease; Classic Menkes Disease. Identifiers: Orphanet 565, MedGen C0022716, MONDO:0010651, OMIM 309400.
X-linked distal spinal muscular atrophy type 3. Also called: ATP7A-Related Distal Motor Neuropathy; SPINAL MUSCULAR ATROPHY, DISTAL, X-LINKED RECESSIVE; NEURONOPATHY, DISTAL HEREDITARY MOTOR, X-LINKED; NEUROPATHY, DISTAL HEREDITARY MOTOR, X-LINKED. Identifiers: Orphanet 139557, MedGen C1845359, MONDO:0010338, OMIM 300489.
Cutis laxa, X-linked (OHS). Also called: EDS IX; Occipital horn syndrome. Identifiers: Orphanet 198, MedGen C0268353, MONDO:0010572, OMIM 304150.

Submission:

Labcorp Genetics (formerly Invitae), Labcorp
Classification: Uncertain significance for X-linked distal spinal muscular atrophy type 3; Cutis laxa, X-linked; Menkes kinky-hair syndrome. Last evaluated: 2022-01-15. Review status: criteria provided, single submitter. Criteria: Invitae Variant Classification Sherloc (09022015). Collection method: clinical testing. Allele origin: germline.
Comment: In summary, the available evidence is currently insufficient to determine the role of this variant in disease. Therefore, it has been classified as a Variant of Uncertain Significance. Advanced modeling of protein sequence and biophysical properties (such as structural, functional, and spatial information, amino acid conservation, physicochemical variation, residue mobility, and thermodynamic stability) performed at Invitae indicates that this missense variant is not expected to disrupt ATP7A protein function. This variant has not been reported in the literature in individuals affected with ATP7A-related conditions. This variant is not present in population databases (gnomAD no frequency). This sequence change replaces methionine, which is neutral and non-polar, with isoleucine, which is neutral and non-polar, at codon 671 of the ATP7A protein (p.Met671Ile).